The following is an entry in ClinVar:

NM_024757.5(EHMT1):c.974G>A (p.Gly325Asp)

Gene: EHMT1 (euchromatic histone lysine methyltransferase 1; plus strand). Cytogenetic location: 9q34.3.
Variant type: single nucleotide variant.
Coding change: c.974G>A on transcript NM_024757.5 (MANE Select); coding-DNA position 974, G replaced by A.
Protein change: p.Gly325Asp; replaces glycine 325 with aspartic acid.
Molecular consequence: missense variant.
Genome position (GRCh38, 1-based): chr9:137,743,521, G>A. VCF-style: chr9-137743521-G-A. GRCh37 (hg19) VCF-style: chr9-140637973-G-A.
Other names: c.974G>A, p.Gly325Asp (NM_001145527.2, NM_001354611.2); c.881G>A, p.Gly294Asp (NM_001354259.2, NM_001354612.2); c.953G>A, p.Gly318Asp (NM_001354263.2); short protein forms G294D, G318D, G325D.
Identifiers: ClinVar variation 2117064 (VCV002117064.4), dbSNP rs375192869, ClinGen allele CA201820285.

ClinVar aggregate classification (germline): Uncertain significance (1 of 4 stars; one submission).

Conditions:
Kleefstra syndrome 1 (KLEFS1). Identifiers: Orphanet 261494, MedGen C0795833, MONDO:0027407, OMIM 610253.

Allele frequency attached by ClinVar (database versions not stated): ESP Exome Variant Server 0.00008; gnomAD exomes below 0.00001; TOPMed below 0.00001.
gnomAD v4.1: 1 of 1,614,138 alleles (0.000062%); highest among the groups gnomAD compares: African/African-American, 0.0013%; no homozygotes.

Submission:

Labcorp Genetics (formerly Invitae), Labcorp
Classification: Uncertain significance for Kleefstra syndrome 1. Last evaluated: 2022-03-26. Review status: criteria provided, single submitter. Criteria: Invitae Variant Classification Sherloc (09022015). Collection method: clinical testing. Allele origin: germline.
Comment: In summary, the available evidence is currently insufficient to determine the role of this variant in disease. Therefore, it has been classified as a Variant of Uncertain Significance. Algorithms developed to predict the effect of missense changes on protein structure and function are either unavailable or do not agree on the potential impact of this missense change (SIFT: "Deleterious"; PolyPhen-2: "Possibly Damaging"; Align-GVGD: "Class C0"). This variant has not been reported in the literature in individuals affected with EHMT1-related conditions. This variant is not present in population databases (gnomAD no frequency). This sequence change replaces glycine, which is neutral and non-polar, with aspartic acid, which is acidic and polar, at codon 325 of the EHMT1 protein (p.Gly325Asp).